The following is an entry in ClinVar:

ClinVar aggregate classification (germline): Pathogenic (0 of 4 stars; one submission).

Conditions:
F8-related disorder. Also called: F8-related condition.

Submission:

PreventionGenetics, part of Exact Sciences
Classification: Pathogenic for F8-related condition. Last evaluated: 2024-06-07. Review status: no assertion criteria provided. Collection method: clinical testing. Allele origin: germline.
Comment: The F8 c.6429+1G>A variant is predicted to disrupt the GT donor site and interfere with normal splicing. This variant has been reported in an individual with severe hemophilia A (Natalia et al. 2013. PubMed ID: 23913812. Table S2). This variant has not been reported in a large population database, indicating this variant is rare. Variants that disrupt the consensus splice donor site in F8 are expected to be pathogenic. This variant is interpreted as pathogenic.

NM_000132.4(F8):c.6429+1G>A

Gene: F8 (coagulation factor VIII; minus strand). Cytogenetic location: Xq28.
Variant type: single nucleotide variant.
Coding change: c.6429+1G>A on transcript NM_000132.4 (MANE Select); the canonical splice donor site of the intron after coding-DNA position 6429, G replaced by A.
Molecular consequence: splice donor variant.
Genome position (GRCh38, 1-based): chrX:154,896,076, C>T on the plus strand (G>A on the coding strand, the complement: F8 is on the minus strand). VCF-style: chrX-154896076-C-T. GRCh37 (hg19) VCF-style: chrX-154124351-C-T.
Identifiers: ClinVar variation 3345393 (VCV003345393.1).
Genomic context (GRCh38, chrX:154,896,076, plus strand): 5'-TGAAATCTGCCAAAATTCTTTAAAGTATTCAGGCATTCCCTTTAAATGACTAATTACATA[C>T]CATTAAGGTTCCAGTGGAATTTCCTCGATAAGTCTGCCACTTCTTCCCATCAAGACTATA-3'